The following is an entry in ClinVar:

ClinVar aggregate classification (germline): Uncertain significance (1 of 4 stars; one submission).

Conditions:
Fanconi anemia (FA). Also called: Fanconi's anemia. Identifiers: Orphanet 84, MedGen C0015625, MeSH D005199, MONDO:0019391.

gnomAD v4.1: 1 of 1,613,436 alleles (0.000062%); highest among the groups gnomAD compares: Non-Finnish European, 0.000085%; no homozygotes.

Submission:

Labcorp Genetics (formerly Invitae), Labcorp
Classification: Uncertain significance for Fanconi anemia. Last evaluated: 2021-05-26. Review status: criteria provided, single submitter. Criteria: Invitae Variant Classification Sherloc (09022015). Collection method: clinical testing. Allele origin: germline.
Comment: In summary, the available evidence is currently insufficient to determine the role of this variant in disease. Therefore, it has been classified as a Variant of Uncertain Significance. Nucleotide substitutions within the consensus splice site are a relatively common cause of aberrant splicing (PMID: 17576681, 9536098). Algorithms developed to predict the effect of sequence changes on RNA splicing suggest that this variant is not likely to affect RNA splicing, but this prediction has not been confirmed by published transcriptional studies. This variant has not been reported in the literature in individuals with FANCA-related conditions. This variant is not present in population databases (ExAC no frequency). This sequence change falls in intron 6 of the FANCA gene. It does not directly change the encoded amino acid sequence of the FANCA protein. It affects a nucleotide within the consensus splice site of the intron.

Literature cited by the submitters: PubMed 17576681; PubMed 9536098.

NM_000135.4(FANCA):c.596+6G>T

Gene: FANCA (FA complementation group A; minus strand). Cytogenetic location: 16q24.3.
Variant type: single nucleotide variant.
Coding change: c.596+6G>T on transcript NM_000135.4 (MANE Select); 6 bases into the intron after coding-DNA position 596, G replaced by T.
Molecular consequence: intron variant.
Genome position (GRCh38, 1-based): chr16:89,808,288, C>A on the plus strand (G>T on the coding strand, the complement: FANCA is on the minus strand). VCF-style: chr16-89808288-C-A. GRCh37 (hg19) VCF-style: chr16-89874696-C-A.
Other names: c.596+6G>T (NM_001286167.3, NM_001018112.3); c.500+6G>T (NM_001351830.2).
Identifiers: ClinVar variation 1397334 (VCV001397334.6), dbSNP rs369548513, ClinGen allele CA624272645.
Genomic context (GRCh38, chr16:89,808,288, plus strand): 5'-TGAAATATAATTTATACTAGACTAGACTGCAAAAACAGTAACACTGAATCATCATTAGCA[C>A]GCTACCTTTCCAGCAGCTCTTGCAGGCTCACAATGCCTTGTACGTGAAGATGCCACACCG-3'